The following is an entry in ClinVar:

ClinVar aggregate classification (germline): Likely pathogenic (1 of 4 stars; one submission).

Conditions:
Leukodystrophy, hypomyelinating, 27 (HLD27). Identifiers: MedGen C5882743, MONDO:0958018, OMIM 620675.

gnomAD v4.1: 8 of 1,612,876 alleles (0.0005%); highest among the groups gnomAD compares: South Asian, 0.0088%; no homozygotes.

Submission:

First Genomix Gene Laboratory, Genetic Diagnostics Department
Classification: Likely pathogenic for Leukodystrophy, hypomyelinating, 27. Last evaluated: 2025-01-10. Review status: criteria provided, single submitter. Criteria: ACMG Guidelines, 2015. Collection method: clinical testing. Allele origin: germline. Inheritance: Autosomal recessive inheritance. Affected: no. Observed: 1 variant allele.

NM_015425.6(POLR1A):c.4297G>T (p.Glu1433Ter)

Gene: POLR1A (RNA polymerase I subunit A; minus strand). Cytogenetic location: 2p11.2.
Variant type: single nucleotide variant.
Coding change: c.4297G>T on transcript NM_015425.6 (MANE Select); coding-DNA position 4297, G replaced by T.
Protein change: p.Glu1433Ter; replaces glutamic acid 1433 with a stop codon.
Molecular consequence: nonsense.
Genome position (GRCh38, 1-based): chr2:86,031,611, C>A on the plus strand (G>T on the coding strand, the complement: POLR1A is on the minus strand). VCF-style: chr2-86031611-C-A. GRCh37 (hg19) VCF-style: chr2-86258734-C-A.
Other names: short protein forms E1433*.
Identifiers: ClinVar variation 4845757 (VCV004845757.1).